The following is an entry in ClinVar:

NM_003872.3(NRP2):c.1740G>A (p.Pro580=)

Gene: NRP2 (neuropilin 2; plus strand). Cytogenetic location: 2q33.3.
Variant type: single nucleotide variant.
Coding change: c.1740G>A on transcript NM_003872.3 (MANE Select); coding-DNA position 1740, G replaced by A.
Protein change: p.Pro580=; no amino-acid change (proline 580 retained).
Molecular consequence: synonymous variant.
Genome position (GRCh38, 1-based): chr2:205,745,844, G>A. VCF-style: chr2-205745844-G-A. GRCh37 (hg19) VCF-style: chr2-206610568-G-A.
Other names: c.1740G>A, p.Pro580= (NM_018534.4, NM_201266.2, NM_201267.2 and 1 more transcripts).
Identifiers: ClinVar variation 4989372 (VCV004989372.1).

ClinVar aggregate classification (germline): Likely benign (1 of 4 stars; one submission).

Conditions:
NRP2-related disorder. Also called: NRP2-related condition.

gnomAD v4.1: 53 of 1,614,088 alleles (0.0033%); highest among the groups gnomAD compares: African/African-American, 0.0067%; no homozygotes.

Submission:

PreventionGenetics, part of Exact Sciences
Classification: Likely benign for NRP2-related condition. Last evaluated: 2025-11-17. Review status: criteria provided, single submitter. Criteria: ACMG Guidelines, 2015. Collection method: clinical testing. Allele origin: germline.
Comment: This variant is classified as likely benign based on ACMG/AMP sequence variant interpretation guidelines (Richards et al. 2015 PMID: 25741868, with internal and published modifications).